The following is an entry in ClinVar:

ClinVar aggregate classification (germline): Uncertain significance (1 of 4 stars; one submission).

Conditions:
Hypercholesterolemia, familial, 4 (FHCL4). Also called: HYPERCHOLESTEROLEMIA, AUTOSOMAL RECESSIVE, 1; HYPERCHOLESTEROLEMIA, AUTOSOMAL RECESSIVE, 2. Identifiers: Orphanet 391665, MedGen C1863512, MONDO:0011374, OMIM 603813.

Allele frequency attached by ClinVar (database versions not stated): gnomAD exomes below 0.00001.
gnomAD v4.1: 1 of 1,614,134 alleles (0.000062%); highest among the groups gnomAD compares: Non-Finnish European, 0.000085%; no homozygotes.

Submission:

Labcorp Genetics (formerly Invitae), Labcorp
Classification: Uncertain significance for Hypercholesterolemia, familial, 4. Last evaluated: 2019-06-21. Review status: criteria provided, single submitter. Criteria: Invitae Variant Classification Sherloc (09022015). Collection method: clinical testing. Allele origin: germline.
Comment: In summary, the available evidence is currently insufficient to determine the role of this variant in disease. Therefore, it has been classified as a Variant of Uncertain Significance. Algorithms developed to predict the effect of missense changes on protein structure and function (SIFT, PolyPhen-2, Align-GVGD) all suggest that this variant is likely to be tolerated, but these predictions have not been confirmed by published functional studies and their clinical significance is uncertain. This variant has not been reported in the literature in individuals with LDLRAP1-related conditions. This variant is not present in population databases (ExAC no frequency). This sequence change replaces glutamic acid with glutamine at codon 188 of the LDLRAP1 protein (p.Glu188Gln). The glutamic acid residue is moderately conserved and there is a small physicochemical difference between glutamic acid and glutamine.

NM_015627.3(LDLRAP1):c.562G>C (p.Glu188Gln)

Gene: LDLRAP1 (low density lipoprotein receptor adaptor protein 1; plus strand). Cytogenetic location: 1p36.11.
Variant type: single nucleotide variant.
Coding change: c.562G>C on transcript NM_015627.3 (MANE Select); coding-DNA position 562, G replaced by C.
Protein change: p.Glu188Gln; replaces glutamic acid 188 with glutamine.
Molecular consequence: missense variant.
Genome position (GRCh38, 1-based): chr1:25,563,099, G>C. VCF-style: chr1-25563099-G-C. GRCh37 (hg19) VCF-style: chr1-25889590-G-C.
Other names: short protein forms E188Q.
Identifiers: ClinVar variation 951854 (VCV000951854.10), dbSNP rs2044383794, ClinGen allele CA339073890.
Genomic context (GRCh38, chr1:25,563,099, plus strand): 5'-GGCTCCAACATGTTGTGCCTTGGTCCTGCAGAGAAAGAGAAGAGGGACAAAGCCAGCCAA[G>C]AGGGAGGGGACGTCCTGGGGGCCCGCCAAGACTGCACCCCCTCCTTGAAGAGCTGTGAGT-3'
Protein context (NP_056442.2, residues 178-198): EKEKRDKASQ[Glu188Gln]GGDVLGARQD